The following is an entry in ClinVar:

ClinVar aggregate classification (germline): Uncertain significance (1 of 4 stars; one submission).

Allele frequency attached by ClinVar (database versions not stated): gnomAD exomes below 0.00001; gnomAD 0.00001; TOPMed 0.00001.
gnomAD v4.1: 3 of 1,613,886 alleles (0.00019%); highest among the groups gnomAD compares: African/African-American, 0.004%; no homozygotes.

Submission:

Labcorp Genetics (formerly Invitae), Labcorp
Classification: Uncertain significance. Last evaluated: 2022-04-24. Review status: criteria provided, single submitter. Criteria: Invitae Variant Classification Sherloc (09022015). Collection method: clinical testing. Allele origin: germline.
Comment: In summary, the available evidence is currently insufficient to determine the role of this variant in disease. Therefore, it has been classified as a Variant of Uncertain Significance. Algorithms developed to predict the effect of missense changes on protein structure and function (SIFT, PolyPhen-2, Align-GVGD) all suggest that this variant is likely to be disruptive. This variant has not been reported in the literature in individuals affected with NBAS-related conditions. This variant is present in population databases (no rsID available, gnomAD 0.01%). This sequence change replaces leucine, which is neutral and non-polar, with proline, which is neutral and non-polar, at codon 1223 of the NBAS protein (p.Leu1223Pro).

NM_015909.4(NBAS):c.3668T>C (p.Leu1223Pro)

Gene: NBAS (NBAS subunit of NRZ tethering complex; minus strand). Cytogenetic location: 2p24.3.
Variant type: single nucleotide variant.
Coding change: c.3668T>C on transcript NM_015909.4 (MANE Select); coding-DNA position 3668, T replaced by C.
Protein change: p.Leu1223Pro; replaces leucine 1223 with proline.
Molecular consequence: missense variant. On other transcripts: non-coding transcript variant (1).
Genome position (GRCh38, 1-based): chr2:15,374,643, A>G on the plus strand (T>C on the coding strand, the complement: NBAS is on the minus strand). VCF-style: chr2-15374643-A-G. GRCh37 (hg19) VCF-style: chr2-15514767-A-G.
Other names: short protein forms L1223P.
Identifiers: ClinVar variation 2130277 (VCV002130277.4), dbSNP rs1323085057, ClinGen allele CA345895957.
Genomic context (GRCh38, chr2:15,374,643, plus strand): 5'-ATGCAACAGTAAGTAGAAAACTCACCTTGCAAAGGCAGGATCTTTACCCCAAATTCTTCA[A>G]GACATCCAACGGCTTGGATAAGATCTAGCTCCTCTTGAATGGCAGGGGGTCTGTCTGTTA-3'
Protein context (NP_056993.2, residues 1213-1233): ELDLIQAVGC[Leu1223Pro]EEFGVKILPL